The following is an entry in ClinVar:

NM_001429.4(EP300):c.4564_4572del (p.Gln1522_Glu1524del)

Gene: EP300 (EP300 lysine acetyltransferase; plus strand). Cytogenetic location: 22q13.2.
Variant type: Deletion.
Coding change: c.4564_4572del on transcript NM_001429.4 (MANE Select); coding-DNA positions 4564 to 4572, 9 bases deleted (CAGGAGGAA; older notation c.4564_4572delCAGGAGGAA).
Protein change: p.Gln1522_Glu1524del.
Molecular consequence: inframe deletion.
Genome position (GRCh38, 1-based): chr22:41,172,610-41,172,618, CAGGAGGAA deleted; deleting any 9 consecutive bases within chr22:41,172,606-41,172,618 gives the same sequence; the c. name uses the placement nearest the transcript's 3' end. VCF-style (leftmost placement, unchanged base first): chr22-41172605-TGGAACAGGA-T. GRCh37 (hg19) VCF-style: chr22-41568609-TGGAACAGGA-T.
Other names: c.4486_4494del, p.Gln1496_Glu1498del (NM_001362843.2).
Identifiers: ClinVar variation 2834202 (VCV002834202.3), dbSNP rs2517826839, ClinGen allele CA2739267979.
Genomic context (GRCh38, chr22:41,172,605, plus strand): 5'-AATTGCCTTATTTCGAGGGTGATTTCTGGCCCAATGTTCTGGAAGAAAGCATTAAGGAAC[TGGAACAGGA>T]GGAAGAAGAGAGAAAACGAGAGGAAAACACCAGCAATGAAAGCACAGATGTAAGGGCATT-3'

ClinVar aggregate classification (germline): Uncertain significance (1 of 4 stars; one submission).

Conditions:
Rubinstein-Taybi syndrome due to EP300 haploinsufficiency. Also called: EP300-Related Rubinstein-Taybi Syndrome; RUBINSTEIN-TAYBI SYNDROME 2. Identifiers: Orphanet 353284, Orphanet 783, MedGen C3150941, MONDO:0013364, OMIM 613684.

Submission:

Labcorp Genetics (formerly Invitae), Labcorp
Classification: Uncertain significance for Rubinstein-Taybi syndrome due to EP300 haploinsufficiency. Last evaluated: 2023-02-03. Review status: criteria provided, single submitter. Criteria: Invitae Variant Classification Sherloc (09022015). Collection method: clinical testing. Allele origin: germline.
Comment: This variant, c.4564_4572del, results in the deletion of 3 amino acid(s) of the EP300 protein (p.Gln1522_Glu1524del), but otherwise preserves the integrity of the reading frame. This variant is not present in population databases (gnomAD no frequency). This variant has not been reported in the literature in individuals affected with EP300-related conditions. Experimental studies and prediction algorithms are not available or were not evaluated, and the functional significance of this variant is currently unknown. In summary, the available evidence is currently insufficient to determine the role of this variant in disease. Therefore, it has been classified as a Variant of Uncertain Significance.